The following is an entry in ClinVar:

NM_139343.3(BIN1):c.1286G>A (p.Ser429Asn)

Gene: BIN1 (bridging integrator 1; minus strand). Cytogenetic location: 2q14.3.
Variant type: single nucleotide variant.
Coding change: c.1286G>A on transcript NM_139343.3 (MANE Select); coding-DNA position 1286, G replaced by A.
Protein change: p.Ser429Asn; replaces serine 429 with asparagine.
Molecular consequence: missense variant. On other transcripts: intron variant (9).
Genome position (GRCh38, 1-based): chr2:127,052,340, C>T on the plus strand (G>A on the coding strand, the complement: BIN1 is on the minus strand). VCF-style: chr2-127052340-C-T. GRCh37 (hg19) VCF-style: chr2-127809916-C-T.
Other names: c.1193G>A, p.Ser398Asn (NM_001320641.2); c.1205G>A, p.Ser402Asn (NM_001320642.1); c.1157G>A, p.Ser386Asn (NM_139344.3); c.1025G>A, p.Ser342Asn (NM_139345.3); c.1061G>A, p.Ser354Asn (NM_139347.3); c.932G>A, p.Ser311Asn (NM_139349.3); c.838-1428G>A (NM_001320634.1); c.910-1428G>A (NM_139351.3); and 7 more; short protein forms S386N, S402N, S354N, S398N, S342N, S429N, S311N.
Identifiers: ClinVar variation 1937261 (VCV001937261.5), dbSNP rs1683070433, ClinGen allele CA348375983.

ClinVar aggregate classification (germline): Uncertain significance (1 of 4 stars; one submission).

Conditions:
Myopathy, centronuclear, 2 (CNM2). Also called: MYOTUBULAR MYOPATHY, AUTOSOMAL RECESSIVE. Identifiers: Orphanet 169186, MedGen CN031787, MONDO:0009709, OMIM 255200.

Submission:

Labcorp Genetics (formerly Invitae), Labcorp
Classification: Uncertain significance for Myopathy, centronuclear, 2. Last evaluated: 2022-03-25. Review status: criteria provided, single submitter. Criteria: Invitae Variant Classification Sherloc (09022015). Collection method: clinical testing. Allele origin: germline.
Comment: This sequence change replaces serine, which is neutral and polar, with asparagine, which is neutral and polar, at codon 429 of the BIN1 protein (p.Ser429Asn). This variant is not present in population databases (gnomAD no frequency). This variant has not been reported in the literature in individuals affected with BIN1-related conditions. Algorithms developed to predict the effect of missense changes on protein structure and function are either unavailable or do not agree on the potential impact of this missense change (SIFT: "Deleterious"; PolyPhen-2: "Benign"; Align-GVGD: "Class C0"). In summary, the available evidence is currently insufficient to determine the role of this variant in disease. Therefore, it has been classified as a Variant of Uncertain Significance.